The following is an entry in ClinVar:

NM_001206927.2(DNAH8):c.2579del (p.Leu860fs)

Gene: DNAH8 (dynein axonemal heavy chain 8; plus strand). Cytogenetic location: 6p21.2.
Variant type: Deletion.
Coding change: c.2579del on transcript NM_001206927.2 (MANE Select); coding-DNA position 2579, one base deleted (T; older notation c.2579delT).
Protein change: p.Leu860fs; shifts the reading frame from leucine 860.
Molecular consequence: frameshift variant.
Genome position (GRCh38, 1-based): chr6:38,786,948, T deleted; the last of 3 consecutive T bases (chr6:38,786,946-38,786,948); deleting any one gives the same sequence. VCF-style (leftmost placement, unchanged base first): chr6-38786945-AT-A. GRCh37 (hg19) VCF-style: chr6-38754721-AT-A.
Other names: c.1928del, p.Leu643fs (NM_001371.4); short protein forms L860fs, L643fs.
Identifiers: ClinVar variation 5007051 (VCV005007051.2).
Genomic context (GRCh38, chr6:38,786,945, plus strand): 5'-TACCAGAACAGGCAAAGAGATTGCTAAAATTGGAAAGTAAATTGAAAGCAGACAAACTGT[AT>A]TTGCAGGTAAGATAGATTATGTTTTCTAATTATTTTTGAAGGAGTTTTTTGGTAAAAAAA-3'

ClinVar aggregate classification (germline): Likely pathogenic (1 of 4 stars; one submission).

Conditions:
Spermatogenic failure 46. Identifiers: MedGen C5436799, MONDO:0033673, OMIM 619095.

Submission:

Juno Genomics, Hangzhou Juno Genomics, Inc
Classification: Likely pathogenic for Spermatogenic failure 46. Review status: criteria provided, single submitter. Criteria: ACMG Guidelines, 2015. Collection method: clinical testing. Allele origin: germline.
Comment: Null variant in a gene where loss of function (LOF) is a known mechanism of disease.;Absent from controls (or at extremely low frequency if recessive) in Genome Aggregation Database.